The following is an entry in ClinVar:

NM_001258392.3(CLPB):c.50T>G (p.Leu17Arg)

Genes: CLPB (ClpB family mitochondrial disaggregase; minus strand), LOC130006336 (ATAC-STARR-seq lymphoblastoid active region 5191; plus strand). Cytogenetic location: 11q13.4.
Variant type: single nucleotide variant.
Coding change: c.50T>G on transcript NM_001258392.3 (MANE Select); coding-DNA position 50, T replaced by G.
Protein change: p.Leu17Arg; replaces leucine 17 with arginine.
Molecular consequence: missense variant. On other transcripts: 5 prime UTR variant (1).
Genome position (GRCh38, 1-based): chr11:72,434,425, A>C on the plus strand (T>G on the coding strand, the complement: CLPB is on the minus strand). VCF-style: chr11-72434425-A-C. GRCh37 (hg19) VCF-style: chr11-72145469-A-C.
Other names: c.50T>G, p.Leu17Arg (NM_001258393.3, NM_030813.6); c.-193T>G (NM_001258394.3); short protein forms L17R.
Identifiers: ClinVar variation 2171248 (VCV002171248.4), dbSNP rs751753085, ClinGen allele CA6171685.

ClinVar aggregate classification (germline): Uncertain significance (1 of 4 stars; one submission).

Conditions:
3-methylglutaconic aciduria, type VIIB (MGCA7B). Also called: CLPB Deficiency; 3-methylglutaconic aciduria with cataracts, neurologic involvement and neutropenia; 3-methylglutaconic aciduria, type VII, with cataracts, neurologic involvement and neutropenia. Identifiers: Orphanet 445038, MedGen C5676893, MONDO:0014561, OMIM 616271.

Allele frequency attached by ClinVar (database versions not stated): ExAC 0.00001; TOPMed 0.00002; gnomAD 0.00005.
gnomAD v4.1: 7 of 1,588,276 alleles (0.00044%); highest among the groups gnomAD compares: African/African-American, 0.0095%; no homozygotes.

Submission:

Labcorp Genetics (formerly Invitae), Labcorp
Classification: Uncertain significance for 3-methylglutaconic aciduria, type VIIB. Last evaluated: 2025-11-13. Review status: criteria provided, single submitter. Criteria: Invitae Variant Classification Sherloc (09022015). Collection method: clinical testing. Allele origin: germline.
Comment: This sequence change replaces leucine, which is neutral and non-polar, with arginine, which is basic and polar, at codon 17 of the CLPB protein (p.Leu17Arg). This variant is present in population databases (rs751753085, gnomAD 0.01%). This variant has not been reported in the literature in individuals affected with CLPB-related conditions. ClinVar contains an entry for this variant (Variation ID: 2171248). Experimental studies and prediction algorithms are not available or were not evaluated, and the functional significance of this variant is currently unknown. In summary, the available evidence is currently insufficient to determine the role of this variant in disease. Therefore, it has been classified as a Variant of Uncertain Significance.